The following is an entry in ClinVar:

NM_001349206.2(LPIN1):c.1887-1G>C

Gene: LPIN1 (lipin 1; plus strand). Cytogenetic location: 2p25.1.
Variant type: single nucleotide variant.
Coding change: c.1887-1G>C on transcript NM_001349206.2 (MANE Select); the canonical splice acceptor site of the intron before coding-DNA position 1887, G replaced by C.
Molecular consequence: splice acceptor variant.
Genome position (GRCh38, 1-based): chr2:11,802,906, G>C. VCF-style: chr2-11802906-G-C. GRCh37 (hg19) VCF-style: chr2-11943032-G-C.
Other names: c.2034-1G>C (NM_001261428.3); c.1926-1G>C (NM_001349208.2); c.1977-1G>C (NM_001349207.2); c.1797-1G>C (NM_001261427.3); c.1887-1G>C (NM_001349204.2, NM_001349205.2); c.1884-1G>C (NM_001349202.2, NM_001349203.2); c.1857-1G>C (NM_001349200.2, NM_001349201.2); c.1779-1G>C (NM_001349199.2, NM_145693.4).
Identifiers: ClinVar variation 1349474 (VCV001349474.9), dbSNP rs1678013520, ClinGen allele CA345853576.

ClinVar aggregate classification (germline): Likely pathogenic. Review status: criteria provided, multiple submitters, no conflicts (2 of 4 stars). 2 submissions from 2 submitters: Likely pathogenic (2). Last evaluated 2026-01-25.

Conditions:
Myoglobinuria, acute recurrent, autosomal recessive. Also called: RHABDOMYOLYSIS, ACUTE RECURRENT; Myoglobinuria, recurrent, autosomal recessive; MYOGLOBINURIA, FAMILIAL PAROXYSMAL PARALYTIC. Identifiers: Orphanet 99845, MedGen C1849386, MONDO:0009992, OMIM 268200.

Allele frequency attached by ClinVar (database versions not stated): TOPMed 0.00001.

Submissions (2):

Labcorp Genetics (formerly Invitae), Labcorp
Classification: Likely pathogenic. Last evaluated: 2026-01-25. Review status: criteria provided, single submitter. Criteria: Invitae Variant Classification Sherloc (09022015). Collection method: clinical testing. Allele origin: germline.
Comment: This sequence change affects an acceptor splice site in intron 13 of the LPIN1 gene. It is expected to disrupt RNA splicing. Variants that disrupt the donor or acceptor splice site typically lead to a loss of protein function (PMID: 16199547), and loss-of-function variants in LPIN1 are known to be pathogenic (PMID: 18817903, 20583302, 22481384, 26111941). This variant is not present in population databases (gnomAD no frequency). This variant has not been reported in the literature in individuals affected with LPIN1-related conditions. ClinVar contains an entry for this variant (Variation ID: 1349474). Algorithms developed to predict the effect of sequence changes on RNA splicing suggest that this variant may disrupt the consensus splice site. In summary, the currently available evidence indicates that the variant is pathogenic, but additional data are needed to prove that conclusively. Therefore, this variant has been classified as Likely Pathogenic.

Fulgent Genetics
Classification: Likely pathogenic for Myoglobinuria, acute recurrent, autosomal recessive. Last evaluated: 2024-05-13. Review status: criteria provided, single submitter. Criteria: ACMG Guidelines, 2015. Collection method: clinical testing. Allele origin: germline.

Literature cited by the submitters: PubMed 16199547 (cited by Labcorp Genetics (formerly Invitae), Labcorp); PubMed 18817903 (cited by Labcorp Genetics (formerly Invitae), Labcorp); PubMed 20583302 (cited by Labcorp Genetics (formerly Invitae), Labcorp); PubMed 22481384 (cited by Labcorp Genetics (formerly Invitae), Labcorp); PubMed 26111941 (cited by Labcorp Genetics (formerly Invitae), Labcorp).